The following is an entry in ClinVar:

ClinVar aggregate classification (germline): Uncertain significance. Review status: criteria provided, multiple submitters, no conflicts (2 of 4 stars). 2 submissions from 2 submitters: Uncertain significance (2). Last evaluated 2025-04-08.

Conditions:
Inborn genetic diseases. Identifiers: MedGen C0950123, MeSH D030342.

Allele frequency attached by ClinVar (database versions not stated): gnomAD 0.00005 and 0.00006; gnomAD exomes 0.00001; TOPMed 0.00003.
gnomAD v4.1: 17 of 1,613,302 alleles (0.0011%); highest among the groups gnomAD compares: African/African-American, 0.011%; no homozygotes.

Submissions (2):

Ambry Genetics
Classification: Uncertain significance for Inborn genetic diseases. Last evaluated: 2025-04-08. Review status: criteria provided, single submitter. Criteria: Ambry Variant Classification Scheme 2023. Collection method: clinical testing. Allele origin: germline.

Labcorp Genetics (formerly Invitae), Labcorp
Classification: Uncertain significance. Last evaluated: 2024-10-22. Review status: criteria provided, single submitter. Criteria: Invitae Variant Classification Sherloc (09022015). Collection method: clinical testing. Allele origin: germline.
Comment: This sequence change replaces arginine, which is basic and polar, with glutamine, which is neutral and polar, at codon 1075 of the MYO18B protein (p.Arg1075Gln). This variant is present in population databases (rs752415815, gnomAD 0.008%). This variant has not been reported in the literature in individuals affected with MYO18B-related conditions. ClinVar contains an entry for this variant (Variation ID: 1444002). An algorithm developed to predict the effect of missense changes on protein structure and function (PolyPhen-2) suggests that this variant is likely to be disruptive. In summary, the available evidence is currently insufficient to determine the role of this variant in disease. Therefore, it has been classified as a Variant of Uncertain Significance.

NM_032608.7(MYO18B):c.3224G>A (p.Arg1075Gln)

Gene: MYO18B (myosin XVIIIB; plus strand). Cytogenetic location: 22q12.1.
Variant type: single nucleotide variant.
Coding change: c.3224G>A on transcript NM_032608.7 (MANE Select); coding-DNA position 3224, G replaced by A.
Protein change: p.Arg1075Gln; replaces arginine 1075 with glutamine.
Molecular consequence: missense variant.
Genome position (GRCh38, 1-based): chr22:25,843,750, G>A. VCF-style: chr22-25843750-G-A. GRCh37 (hg19) VCF-style: chr22-26239717-G-A.
Other names: c.3227G>A, p.Arg1076Gln (NM_001318245.2); c.3224G>A (NM_032608.5); short protein forms R1076Q, R1075Q.
Identifiers: ClinVar variation 1444002 (VCV001444002.6), dbSNP rs752415815, ClinGen allele CA322772701.